The following is an entry in ClinVar:

NM_002458.3(MUC5B):c.3454+7C>T

Gene: MUC5B (mucin 5B, oligomeric mucus/gel-forming; plus strand). Cytogenetic location: 11p15.5.
Variant type: single nucleotide variant.
Coding change: c.3454+7C>T on transcript NM_002458.3 (MANE Select); 7 bases into the intron after coding-DNA position 3454, C replaced by T.
Molecular consequence: intron variant.
Genome position (GRCh38, 1-based): chr11:1,239,034, C>T. VCF-style: chr11-1239034-C-T. GRCh37 (hg19) VCF-style: chr11-1260264-C-T.
Identifiers: ClinVar variation 3024680 (VCV003024680.22), dbSNP rs757543757, ClinGen allele CA5805085.

ClinVar aggregate classification (germline): Likely benign (1 of 4 stars; one submission).

Allele frequency attached by ClinVar (database versions not stated): TOPMed below 0.00001; gnomAD 0.00001; gnomAD exomes 0.00002; ExAC 0.00012.
gnomAD v4.1: 28 of 1,571,194 alleles (0.0018%); highest among the groups gnomAD compares: East Asian, 0.012%; no homozygotes.

Submission:

CeGaT Center for Human Genetics Tuebingen
Classification: Likely benign. Last evaluated: 2024-02-01. Review status: criteria provided, single submitter. Criteria: CeGaT Center For Human Genetics Tuebingen Variant Classification Criteria Version 2. Collection method: clinical testing. Allele origin: germline. Affected: yes. Observed: 1 variant allele.
Comment: MUC5B: BP4